The following is an entry in ClinVar:

NM_022575.4(VPS16):c.1073A>G (p.Lys358Arg)

Gene: VPS16 (VPS16 core subunit of CORVET and HOPS complexes; plus strand). Cytogenetic location: 20p13.
Variant type: single nucleotide variant.
Coding change: c.1073A>G on transcript NM_022575.4 (MANE Select); coding-DNA position 1073, A replaced by G.
Protein change: p.Lys358Arg; replaces lysine 358 with arginine.
Molecular consequence: missense variant. On other transcripts: intron variant (1).
Genome position (GRCh38, 1-based): chr20:2,862,580, A>G. VCF-style: chr20-2862580-A-G. GRCh37 (hg19) VCF-style: chr20-2843226-A-G.
Other names: c.900-485A>G (NM_080413.3); short protein forms K358R.
Identifiers: ClinVar variation 2491719 (VCV002491719.3), dbSNP rs2515121776, ClinGen allele CA408055393.
Genomic context (GRCh38, chr20:2,862,580, plus strand): 5'-GGCCAGATGTGGGAGTGTTCTCTGTCATGATGCCCTGGCTCTGGACTGCTCCCCACCAGA[A>G]AGAGAGCCAGAAGGCGGACGAGTACCTGCGGGAGATCCAGGAGCTGGGCCAGCTGACCCA-3'
Protein context (NP_072097.2, residues 348-368): LLLEAQKEYE[Lys358Arg]ESQKADEYLR

ClinVar aggregate classification (germline): Uncertain significance (1 of 4 stars; one submission).

Conditions:
Inborn genetic diseases. Identifiers: MedGen C0950123, MeSH D030342.

Allele frequency attached by ClinVar (database versions not stated): gnomAD exomes below 0.00001.
gnomAD v4.1: 4 of 1,613,052 alleles (0.00025%); highest among the groups gnomAD compares: Non-Finnish European, 0.00025%; no homozygotes.

Submission:

Ambry Genetics
Classification: Uncertain significance for Inborn genetic diseases. Last evaluated: 2023-03-27. Review status: criteria provided, single submitter. Criteria: Ambry Variant Classification Scheme 2023. Collection method: clinical testing. Allele origin: germline.
Comment: The c.1073A>G (p.K358R) alteration is located in exon 12 (coding exon 12) of the VPS16 gene. This alteration results from an A to G substitution at nucleotide position 1073, causing the lysine (K) at amino acid position 358 to be replaced by an arginine (R). This variant was not reported in population-based cohorts in the Genome Aggregation Database (gnomAD). This amino acid position is highly conserved in available vertebrate species. This amino acid change is predicted to be tolerated by in silico analysis. In silico splice site analysis for this alteration is inconclusive. Based on insufficient or conflicting evidence, the clinical significance of this alteration remains unclear.